The following is an entry in ClinVar:

NM_133372.3(FNIP1):c.1385A>G (p.Asn462Ser)

Gene: FNIP1 (folliculin interacting protein 1; minus strand). Cytogenetic location: 5q31.1.
Variant type: single nucleotide variant.
Coding change: c.1385A>G on transcript NM_133372.3 (MANE Select); coding-DNA position 1385, A replaced by G.
Protein change: p.Asn462Ser; replaces asparagine 462 with serine.
Molecular consequence: missense variant.
Genome position (GRCh38, 1-based): chr5:131,677,837, T>C on the plus strand (A>G on the coding strand, the complement: FNIP1 is on the minus strand). VCF-style: chr5-131677837-T-C. GRCh37 (hg19) VCF-style: chr5-131013530-T-C.
Other names: c.1301A>G, p.Asn434Ser (NM_001008738.3); c.1385A>G, p.Asn462Ser (NM_001346113.2); c.1250A>G, p.Asn417Ser (NM_001346114.2); short protein forms N417S, N434S, N462S.
Identifiers: ClinVar variation 4807358 (VCV004807358.1).
Genomic context (GRCh38, chr5:131,677,837, plus strand): 5'-AAAAATATTTTTATAGGTGGTTGTCCATTTGGCATGACTGTTGGAACCCAGGCAAGATGA[T>C]TGGTCAGAACTGCAGTAATGAGAGCTGGCAAGAATCTGAAAACAAAATACATCTGATCAG-3'
Protein context (NP_588613.3, residues 452-472): LPALITAVLT[Asn462Ser]HLAWVPTVMP

ClinVar aggregate classification (germline): Uncertain significance (1 of 4 stars; one submission).

gnomAD v4.1: 18 of 1,613,930 alleles (0.0011%); highest among the groups gnomAD compares: South Asian, 0.0022%; no homozygotes.

Submission:

Labcorp Genetics (formerly Invitae), Labcorp
Classification: Uncertain significance. Last evaluated: 2025-06-15. Review status: criteria provided, single submitter. Criteria: Invitae Variant Classification Sherloc (09022015). Collection method: clinical testing. Allele origin: germline.
Comment: This sequence change replaces asparagine, which is neutral and polar, with serine, which is neutral and polar, at codon 462 of the FNIP1 protein (p.Asn462Ser). This variant is present in population databases (no rsID available, gnomAD 0.003%). This variant has not been reported in the literature in individuals affected with FNIP1-related conditions. An algorithm developed to predict the effect of missense changes on protein structure and function (PolyPhen-2) suggests that this variant is likely to be disruptive. In summary, the available evidence is currently insufficient to determine the role of this variant in disease. Therefore, it has been classified as a Variant of Uncertain Significance.